The following is an entry in ClinVar:

NM_173483.4(CYP4F22):c.982G>A (p.Glu328Lys)

Gene: CYP4F22 (cytochrome P450 family 4 subfamily F member 22; plus strand). Cytogenetic location: 19p13.12.
Variant type: single nucleotide variant.
Coding change: c.982G>A on transcript NM_173483.4 (MANE Select); coding-DNA position 982, G replaced by A.
Protein change: p.Glu328Lys; replaces glutamic acid 328 with lysine.
Molecular consequence: missense variant.
Genome position (GRCh38, 1-based): chr19:15,544,013, G>A. VCF-style: chr19-15544013-G-A. GRCh37 (hg19) VCF-style: chr19-15654824-G-A.
Other names: short protein forms E328K.
Identifiers: ClinVar variation 4687302 (VCV004687302.1).
Genomic context (GRCh38, chr19:15,544,013, plus strand): 5'-CTCTACTGCCCATTCCAGGATGAAGATGGAAAGGAACTGTCAGACGAGGATATCCGAGCC[G>A]AAGCAGACACCTTCATGTTTGAGGGTGAGGATGTGGGGTGAGGCTGGAGGAGGGCAGGAA-3'
Protein context (NP_775754.2, residues 318-338): KELSDEDIRA[Glu328Lys]ADTFMFEGHD

ClinVar aggregate classification (germline): Likely pathogenic (1 of 4 stars; one submission).

Conditions:
Lamellar ichthyosis. Identifiers: Orphanet 313, MedGen C5848247, MONDO:0017778.

gnomAD v4.1: 16 of 1,614,144 alleles (0.00099%); highest among the groups gnomAD compares: Non-Finnish European, 0.0013%; no homozygotes.

Submission:

Women's Health and Genetics/Laboratory Corporation of America, LabCorp
Classification: Likely pathogenic for Lamellar ichthyosis. Last evaluated: 2025-10-14. Review status: criteria provided, single submitter. Criteria: LabCorp Variant Classification Summary - May 2015. Collection method: clinical testing. Allele origin: germline.
Comment: Variant summary: CYP4F22 c.982G>A (p.Glu328Lys) results in a conservative amino acid change in the encoded protein sequence. Algorithms developed to predict the effect of missense changes on protein structure and function are either unavailable or do not agree on the potential impact of this missense change. The variant allele was found at a frequency of 4e-06 in 251492 control chromosomes. c.982G>A has been observed in the homozygous or presumed compound heterozygous states in at least 2 individual(s) affected with Lamellar Ichthyosis or Congenital Ichthyosiform Erythroderma (example, Lima Cunhua_2019, Esperon-Moldes_2020). These data indicate that the variant may be associated with disease. To our knowledge, no experimental evidence demonstrating an impact on protein function has been reported. The following publications have been ascertained in the context of this evaluation (PMID: 30600594, 32069299, 33024263, 22810696). No submitters have cited clinical-significance assessments for this variant to ClinVar. Based on the evidence outlined above, the variant was classified as likely pathogenic.

Literature cited by the submitters: PubMed 32069299; PubMed 33024263; PubMed 30600594.